The following is an entry in ClinVar:

NM_000127.3(EXT1):c.1818G>A (p.Trp606Ter)

Gene: EXT1 (exostosin glycosyltransferase 1; minus strand). Cytogenetic location: 8q24.11.
Variant type: single nucleotide variant.
Coding change: c.1818G>A on transcript NM_000127.3 (MANE Select); coding-DNA position 1818, G replaced by A.
Protein change: p.Trp606Ter; replaces tryptophan 606 with a stop codon.
Molecular consequence: nonsense.
Genome position (GRCh38, 1-based): chr8:117,807,282, C>T on the plus strand (G>A on the coding strand, the complement: EXT1 is on the minus strand). VCF-style: chr8-117807282-C-T. GRCh37 (hg19) VCF-style: chr8-118819521-C-T.
Other names: short protein forms W606*.
Identifiers: ClinVar variation 842925 (VCV000842925.9), dbSNP rs1823253080, ClinGen allele CA371878184.
Genomic context (GRCh38, chr8:117,807,282, plus strand): 5'-GTAAATAGCAGCTCCTGTCAACACCATGGAGTAGTCGTTCGTCCACTTTGATGTGTATCC[C>T]CACCGCTCCTTAGAGTTATCCCAGAAGTGGCTGCGCGCGGGGTACCCCACAATCCTCTCA-3'

ClinVar aggregate classification (germline): Pathogenic (1 of 4 stars; one submission).

Conditions:
Multiple congenital exostosis (EXT). Also called: MULTIPLE CARTILAGINOUS EXOSTOSES; Hereditary multiple exostoses; Hereditary multiple exostosis; Multiple exostoses; Multiple osteochondromas; Hereditary multiple osteochondromas. Identifiers: Orphanet 321, MedGen C0015306, MONDO:0005508, HP:0002762.

Submission:

Labcorp Genetics (formerly Invitae), Labcorp
Classification: Pathogenic for Multiple congenital exostosis. Last evaluated: 2025-06-24. Review status: criteria provided, single submitter. Criteria: Invitae Variant Classification Sherloc (09022015). Collection method: clinical testing. Allele origin: germline.
Comment: This sequence change creates a premature translational stop signal (p.Trp606*) in the EXT1 gene. It is expected to result in an absent or disrupted protein product. Loss-of-function variants in EXT1 are known to be pathogenic (PMID: 10679937, 11391482, 19810120). This variant is not present in population databases (gnomAD no frequency). This premature translational stop signal has been observed in individual(s) with clinical features of EXT1-related conditions (PMID: 9150727, 38666931). ClinVar contains an entry for this variant (Variation ID: 842925). For these reasons, this variant has been classified as Pathogenic.

Literature cited by the submitters: PubMed 10679937; PubMed 11391482; PubMed 19810120; PubMed 9150727; PubMed 38666931.